The following is an entry in ClinVar:

ClinVar aggregate classification (germline): Uncertain significance (1 of 4 stars; one submission).

Conditions:
Combined immunodeficiency with skin granulomas. Identifiers: Orphanet 157949, MedGen C2673536, MONDO:0009306, OMIM 233650.
Severe combined immunodeficiency, autosomal recessive, T cell-negative, B cell-negative, NK cell-positive. Also called: SCID, AR, T-cell negative, B-cell negative, NK cell-positive; Severe combined immunodeficiency due to complete RAG1/2 deficiency; SCID, T CELL-NEGATIVE, B CELL-NEGATIVE, NK CELL-POSITIVE. Identifiers: Orphanet 331206, MedGen C1832322, MONDO:0011086, OMIM 601457.

Allele frequency attached by ClinVar (database versions not stated): gnomAD exomes below 0.00001; TOPMed below 0.00001.

Submission:

Labcorp Genetics (formerly Invitae), Labcorp
Classification: Uncertain significance for Combined immunodeficiency with skin granulomas; Severe combined immunodeficiency, autosomal recessive, T cell-negative, B cell-negative, NK cell-positive. Last evaluated: 2022-03-15. Review status: criteria provided, single submitter. Criteria: Invitae Variant Classification Sherloc (09022015). Collection method: clinical testing. Allele origin: germline.
Comment: This variant is not present in population databases (gnomAD no frequency). In summary, the available evidence is currently insufficient to determine the role of this variant in disease. Therefore, it has been classified as a Variant of Uncertain Significance. Advanced modeling of protein sequence and biophysical properties (such as structural, functional, and spatial information, amino acid conservation, physicochemical variation, residue mobility, and thermodynamic stability) performed at Invitae indicates that this missense variant is expected to disrupt RAG1 protein function. This variant has not been reported in the literature in individuals affected with RAG1-related conditions. This sequence change replaces leucine, which is neutral and non-polar, with valine, which is neutral and non-polar, at codon 675 of the RAG1 protein (p.Leu675Val).

NM_000448.3(RAG1):c.2023C>G (p.Leu675Val)

Gene: RAG1 (recombination activating 1; plus strand). Cytogenetic location: 11p12.
Variant type: single nucleotide variant.
Coding change: c.2023C>G on transcript NM_000448.3 (MANE Select); coding-DNA position 2023, C replaced by G.
Protein change: p.Leu675Val; replaces leucine 675 with valine.
Molecular consequence: missense variant.
Genome position (GRCh38, 1-based): chr11:36,575,327, C>G. VCF-style: chr11-36575327-C-G. GRCh37 (hg19) VCF-style: chr11-36596877-C-G.
Other names: c.2023C>G, p.Leu675Val (NM_001377277.1, NM_001377278.1, NM_001377279.1 and 1 more transcripts); short protein forms L675V.
Identifiers: ClinVar variation 2096618 (VCV002096618.3), dbSNP rs1850826723, ClinGen allele CA380153822.